The following is an entry in ClinVar:

NM_004958.4(MTOR):c.5964C>A (p.His1988Gln)

Gene: MTOR (mechanistic target of rapamycin kinase; minus strand). Cytogenetic location: 1p36.22.
Variant type: single nucleotide variant.
Coding change: c.5964C>A on transcript NM_004958.4 (MANE Select); coding-DNA position 5964, C replaced by A.
Protein change: p.His1988Gln; replaces histidine 1988 with glutamine.
Molecular consequence: missense variant.
Genome position (GRCh38, 1-based): chr1:11,128,073, G>T on the plus strand (C>A on the coding strand, the complement: MTOR is on the minus strand). VCF-style: chr1-11128073-G-T. GRCh37 (hg19) VCF-style: chr1-11188130-G-T.
Other names: c.5964C>A, p.His1988Gln (NM_001386500.1); c.4716C>A, p.His1572Gln (NM_001386501.1); short protein forms H1988Q, H1572Q.
Identifiers: ClinVar variation 1346581 (VCV001346581.8), dbSNP rs774689824, ClinGen allele CA17941695.
Genomic context (GRCh38, chr1:11,128,073, plus strand): 5'-CTGCTGGACCAGGGTGTTGCTGTGCTCACACATGTTCTTCAGAATCTTGTTGGCTGCATT[G>T]TGCCGGGCTGTCGTGGTAGACTTAGAAGCCACTGTCAGTGGGTAGATGAGGGCCTGAGGG-3'
Protein context (NP_004949.1, residues 1978-1998): VASKSTTTAR[His1988Gln]NAANKILKNM

ClinVar aggregate classification (germline): Uncertain significance (1 of 4 stars; one submission).

Submission:

Labcorp Genetics (formerly Invitae), Labcorp
Classification: Uncertain significance. Last evaluated: 2023-06-18. Review status: criteria provided, single submitter. Criteria: Invitae Variant Classification Sherloc (09022015). Collection method: clinical testing. Allele origin: germline.
Comment: In summary, the available evidence is currently insufficient to determine the role of this variant in disease. Therefore, it has been classified as a Variant of Uncertain Significance. Advanced modeling of protein sequence and biophysical properties (such as structural, functional, and spatial information, amino acid conservation, physicochemical variation, residue mobility, and thermodynamic stability) performed at Invitae indicates that this missense variant is not expected to disrupt MTOR protein function. ClinVar contains an entry for this variant (Variation ID: 1346581). This variant has not been reported in the literature in individuals affected with MTOR-related conditions. This variant is not present in population databases (gnomAD no frequency). This sequence change replaces histidine, which is basic and polar, with glutamine, which is neutral and polar, at codon 1988 of the MTOR protein (p.His1988Gln).